The following is an entry in ClinVar:

ClinVar aggregate classification (germline): Uncertain significance (1 of 4 stars; one submission).

Conditions:
Dilated cardiomyopathy 1G (CMD1G). Identifiers: Orphanet 154, MedGen C1858763, MONDO:0011400, OMIM 604145.
Autosomal recessive limb-girdle muscular dystrophy type 2J (LGMDR10). Also called: Limb-girdle muscular dystrophy, type 2J; MUSCULAR DYSTROPHY, LIMB-GIRDLE, AUTOSOMAL RECESSIVE 10. Identifiers: Orphanet 140922, MedGen C1837342, MONDO:0012127, OMIM 608807.

Submission:

Labcorp Genetics (formerly Invitae), Labcorp
Classification: Uncertain significance for Dilated cardiomyopathy 1G; Autosomal recessive limb-girdle muscular dystrophy type 2J. Last evaluated: 2018-05-21. Review status: criteria provided, single submitter. Criteria: Invitae Variant Classification Sherloc (09022015). Collection method: clinical testing. Allele origin: germline.
Comment: This sequence change replaces valine with isoleucine at codon 29902 of the TTN protein (p.Val29902Ile). The valine residue is highly conserved and there is a small physicochemical difference between valine and isoleucine. This variant is not present in population databases (ExAC no frequency). This variant has not been reported in the literature in individuals with TTN-related disease.¬†This variant is located in the A band of TTN (PMID: 25589632). Variants in this region may be relevant for cardiac or neuromuscular disorders (PMID: 25589632, 23975875). Algorithms developed to predict the effect of missense changes on protein structure and function are unavailable for the TTN gene. In summary, the available evidence is currently insufficient to determine the role of this variant in disease. Therefore, it has been classified as a Variant of Uncertain Significance.

Literature cited by the submitters: PubMed 25589632; PubMed 23975875.

NM_001267550.2(TTN):c.89704G>A (p.Val29902Ile)

Genes: TTN (titin; minus strand), TTN-AS1 (TTN antisense RNA 1; plus strand). Cytogenetic location: 2q31.2.
Variant type: single nucleotide variant.
Coding change: c.89704G>A on transcript NM_001267550.2 (MANE Select); coding-DNA position 89704, G replaced by A.
Protein change: p.Val29902Ile; replaces valine 29902 with isoleucine.
Molecular consequence: missense variant.
Genome position (GRCh38, 1-based): chr2:178,553,196, C>T on the plus strand (G>A on the coding strand, the complement: TTN is on the minus strand). VCF-style: chr2-178553196-C-T. GRCh37 (hg19) VCF-style: chr2-179417923-C-T.
Other names: c.84781G>A, p.Val28261Ile (NM_001256850.1); c.62509G>A, p.Val20837Ile (NM_003319.4); c.82000G>A, p.Val27334Ile (NM_133378.4); c.62884G>A, p.Val20962Ile (NM_133432.3); c.63085G>A, p.Val21029Ile (NM_133437.4); short protein forms V20962I, V21029I, V28261I, V20837I, V27334I, V29902I.
Identifiers: ClinVar variation 2194320 (VCV002194320.1), dbSNP rs1423056168, ClinGen allele CA349516712.
Genomic context (GRCh38, chr2:178,553,196, plus strand): 5'-TAGGTTCACCAACTCCATTTTCTATTGTGAGAATATATTTTCCTGTATCATTGCGAGTAA[C>T]TTGAGGAATGGTGAGTAATGAGGATGAATCAGTGTTTTCAATGCTGTATCTGGCATCACT-3'
Protein context (NP_001254479.2, residues 29892-29912): DSSSLLTIPQ[Val29902Ile]TRNDTGKYIL